The following is an entry in ClinVar:

NM_000297.4(PKD2):c.2019+7A>G

Gene: PKD2 (polycystin 2, transient receptor potential cation channel; plus strand). Cytogenetic location: 4q22.1.
Variant type: single nucleotide variant.
Coding change: c.2019+7A>G on transcript NM_000297.4 (MANE Select); 7 bases into the intron after coding-DNA position 2019, A replaced by G.
Molecular consequence: intron variant.
Genome position (GRCh38, 1-based): chr4:88,058,110, A>G. VCF-style: chr4-88058110-A-G. GRCh37 (hg19) VCF-style: chr4-88979262-A-G.
Other names: c.1794+7A>G (NM_001440544.1).
Identifiers: ClinVar variation 5006810 (VCV005006810.2).

ClinVar aggregate classification (germline): Uncertain significance (1 of 4 stars; one submission).

Conditions:
Polycystic kidney disease 2 (PKD2). Also called: Polycystic Kidney Disease 2, Autosomal Dominant; POLYCYSTIC KIDNEY DISEASE 2 WITH OR WITHOUT POLYCYSTIC LIVER DISEASE; POLYCYSTIC KIDNEY DISEASE, ADULT, TYPE II. Identifiers: MedGen C2751306, MONDO:0013131, OMIM 613095.

Submission:

Juno Genomics, Hangzhou Juno Genomics, Inc
Classification: Uncertain significance for Polycystic kidney disease 2. Review status: criteria provided, single submitter. Criteria: ACMG Guidelines, 2015. Collection method: clinical testing. Allele origin: germline.
Comment: Absent from controls (or at extremely low frequency if recessive) in Genome Aggregation Database.;Multiple lines of computational evidence support a deleterious effect on the gene or gene product.